The following is an entry in ClinVar:

NM_139076.3(ABRAXAS1):c.71A>T (p.Asn24Ile)

Genes: ABRAXAS1 (abraxas 1, BRCA1 A complex subunit; minus strand), LOC129992784 (ATAC-STARR-seq lymphoblastoid silent region 15542; plus strand). Cytogenetic location: 4q21.23.
Variant type: single nucleotide variant.
Coding change: c.71A>T on transcript NM_139076.3 (MANE Select); coding-DNA position 71, A replaced by T.
Protein change: p.Asn24Ile; replaces asparagine 24 with isoleucine.
Molecular consequence: missense variant. On other transcripts: 5 prime UTR variant (1).
Genome position (GRCh38, 1-based): chr4:83,485,002, T>A on the plus strand (A>T on the coding strand, the complement: ABRAXAS1 is on the minus strand). VCF-style: chr4-83485002-T-A. GRCh37 (hg19) VCF-style: chr4-84406155-T-A.
Other names: c.-190A>T (NM_001345962.2); short protein forms N24I.
Identifiers: ClinVar variation 1799950 (VCV001799950.2), dbSNP rs777708194, ClinGen allele CA357263915.

ClinVar aggregate classification (germline): Uncertain significance (1 of 4 stars; one submission).

Submission:

Ambry Genetics
Classification: Uncertain significance. Last evaluated: 2022-09-08. Review status: criteria provided, single submitter. Criteria: Ambry Variant Classification Scheme 2023. Collection method: clinical testing. Allele origin: germline.
Comment: The p.N24I variant (also known as c.71A>T), located in coding exon 1 of the FAM175A gene, results from an A to T substitution at nucleotide position 71. The asparagine at codon 24 is replaced by isoleucine, an amino acid with dissimilar properties. This amino acid position is conserved. In addition, this alteration is predicted to be tolerated by in silico analysis. Since supporting evidence is limited at this time, the clinical significance of this alteration remains unclear.